The following is an entry in ClinVar:

NM_198253.3(TERT):c.568G>A (p.Ala190Thr)

Gene: TERT (telomerase reverse transcriptase; minus strand). Cytogenetic location: 5p15.33.
Variant type: single nucleotide variant.
Coding change: c.568G>A on transcript NM_198253.3 (MANE Select); coding-DNA position 568, G replaced by A.
Protein change: p.Ala190Thr; replaces alanine 190 with threonine.
Molecular consequence: missense variant. On other transcripts: non-coding transcript variant (2).
Genome position (GRCh38, 1-based): chr5:1,294,318, C>T on the plus strand (G>A on the coding strand, the complement: TERT is on the minus strand). VCF-style: chr5-1294318-C-T. GRCh37 (hg19) VCF-style: chr5-1294433-C-T.
Other names: c.568G>A, p.Ala190Thr (NM_001193376.3); short protein forms A190T.
Identifiers: ClinVar variation 953957 (VCV000953957.16), dbSNP rs377016753, ClinGen allele CA112915213.

ClinVar aggregate classification (germline): Uncertain significance. Review status: criteria provided, multiple submitters, no conflicts (2 of 4 stars). 4 submissions from 4 submitters: Uncertain significance (3). 1 of the submissions does not count toward it. Last evaluated 2025-12-09.

Conditions:
Dyskeratosis congenita. Identifiers: Orphanet 1775, MedGen C0265965, MONDO:0015780.
Dyskeratosis congenita, autosomal dominant 2. Identifiers: MedGen C3151443, MONDO:0013521, OMIM 613989.
Idiopathic Pulmonary Fibrosis. Also called: Idiopathic fibrosing alveolitis, chronic form; idiopathic fibrosing alveolitis. Identifiers: Orphanet 2032, MedGen C1800706, MeSH D054990, MONDO:0800504.

Allele frequency attached by ClinVar (database versions not stated): TOPMed below 0.00001; gnomAD 0.00001; ESP Exome Variant Server 0.00008.

Submissions (4):

Ambry Genetics
Classification: Uncertain significance for Dyskeratosis congenita. Last evaluated: 2025-12-09. Review status: criteria provided, single submitter. Criteria: Ambry Variant Classification Scheme 2023. Collection method: clinical testing. Allele origin: germline.
Comment: The p.A190T variant (also known as c.568G>A), located in coding exon 2 of the TERT gene, results from a G to A substitution at nucleotide position 568. The alanine at codon 190 is replaced by threonine, an amino acid with similar properties. This amino acid position is conserved. In addition, this alteration is predicted to be tolerated by in silico analysis. Based on the available evidence, the clinical significance of this variant remains unclear.

GeneDx
Classification: Uncertain significance. Last evaluated: 2025-06-13. Review status: criteria provided, single submitter. Criteria: GeneDx Variant Classification Process June 2021. Collection method: clinical testing. Allele origin: germline. Affected: yes.
Comment: Not observed at significant frequency in large population cohorts (gnomAD); In silico analysis suggests that this missense variant does not alter protein structure/function; Has not been previously published as pathogenic or benign to our knowledge

Labcorp Genetics (formerly Invitae), Labcorp
Classification: Uncertain significance for Dyskeratosis congenita, autosomal dominant 2; Idiopathic Pulmonary Fibrosis. Last evaluated: 2022-06-03. Review status: criteria provided, single submitter. Criteria: Invitae Variant Classification Sherloc (09022015). Collection method: clinical testing. Allele origin: germline.
Comment: This sequence change replaces alanine, which is neutral and non-polar, with threonine, which is neutral and polar, at codon 190 of the TERT protein (p.Ala190Thr). In summary, the available evidence is currently insufficient to determine the role of this variant in disease. Therefore, it has been classified as a Variant of Uncertain Significance. Advanced modeling of protein sequence and biophysical properties (such as structural, functional, and spatial information, amino acid conservation, physicochemical variation, residue mobility, and thermodynamic stability) performed at Invitae indicates that this missense variant is not expected to disrupt TERT protein function. ClinVar contains an entry for this variant (Variation ID: 953957). This variant has not been reported in the literature in individuals affected with TERT-related conditions. This variant is not present in population databases (gnomAD no frequency).

Genetic Services Laboratory, University of Chicago
Classification: Uncertain significance. Last evaluated: 2022-09-09. Review status: no assertion criteria provided. Collection method: clinical testing. Allele origin: germline. Affected: no. Not counted in ClinVar's aggregate classification.
Comment: DNA sequence analysis of the TERT gene demonstrated a sequence change, c.568G>A, in exon 2 that results in an amino acid change, p.Ala190Thr. This sequence change does not appear to have been previously described in individuals with TERT-related disorders and has also not been described in population databases such as ExAC and gnomAD (dbSNP rs377016753). The p.Ala190Thr change affects a poorly conserved amino acid residue located in a domain of the TERT protein that is not known to be functional. The p.Ala190Thr substitution appears to be benign using several in-silico pathogenicity prediction tools (SIFT, PolyPhen2, Align GVGD, REVEL). Due to insufficient evidences and the lack of functional studies, the clinical significance of the p.Ala190Thr change remains unknown at this time.